The following is an entry in ClinVar:

NM_016065.4(MRPS16):c.-95G>A

Genes: DNAJC9-AS1 (DNAJC9 and MRPS16 antisense RNA 1; plus strand), MRPS16 (mitochondrial ribosomal protein S16; minus strand). Cytogenetic location: 10q22.2.
Variant type: single nucleotide variant.
Coding change: c.-95G>A on transcript NM_016065.4 (MANE Select); 95 bases upstream of the start codon, G replaced by A.
Molecular consequence: 5 prime UTR variant.
Genome position (GRCh38, 1-based): chr10:73,252,577, C>T on the plus strand (G>A on the coding strand, the complement: MRPS16 is on the minus strand). VCF-style: chr10-73252577-C-T. GRCh37 (hg19) VCF-style: chr10-75012335-C-T.
Identifiers: ClinVar variation 300727 (VCV000300727.3), dbSNP rs111672256, ClinGen allele CA10632194.
Genomic context (GRCh38, chr10:73,252,577, plus strand): 5'-GCTACCCGCACGCACCAGCTCTACGGCCTTGGCAGGGCAGAGAACAAACACAGAAAGAAC[C>T]TGCAAGCCGACACCAGGCCGCACCGCCAAGCGGTACAAGCCCGAAAACCTCGACTCCGGA-3'

ClinVar aggregate classification (germline): Benign. Review status: criteria provided, multiple submitters, no conflicts (2 of 4 stars). 2 submissions from 2 submitters: Benign (2). Last evaluated 2018-06-14.

Allele frequency attached by ClinVar (database versions not stated): gnomAD 0.04259 and 0.04568; 1000 Genomes Project 0.04313; 1000 Genomes Project 30x 0.04372; gnomAD exomes 0.00725; ESP Exome Variant Server 0.03754; TOPMed 0.04759.
gnomAD v4.1: 16,796 of 1,537,990 alleles (1.1%); highest among the groups gnomAD compares: African/African-American, 14%; 783 homozygotes.

Submissions (2):

GeneDx
Classification: Benign. Last evaluated: 2018-06-14. Review status: criteria provided, single submitter. Criteria: GeneDx Variant Classification (06012015). Collection method: clinical testing. Allele origin: germline. Affected: yes.
Comment: This variant is considered likely benign or benign based on one or more of the following criteria: it is a conservative change, it occurs at a poorly conserved position in the protein, it is predicted to be benign by multiple in silico algorithms, and/or has population frequency not consistent with disease.

Breakthrough Genomics
Classification: Benign. Review status: criteria provided, single submitter. Criteria: ACMG Guidelines, 2015. Collection method: not provided. Allele origin: germline. Inheritance: Autosomal recessive inheritance. Affected: yes.